The following is an entry in ClinVar:

ClinVar aggregate classification (germline): Uncertain significance (1 of 4 stars; one submission).

Conditions:
Koolen-de Vries syndrome (KDVS). Identifiers: Orphanet 96169, MedGen C1864871, MONDO:0012496, OMIM 610443.

Allele frequency attached by ClinVar (database versions not stated): gnomAD exomes below 0.00001; TOPMed below 0.00001; gnomAD 0.00001.
gnomAD v4.1: 4 of 1,612,378 alleles (0.00025%); highest among the groups gnomAD compares: Admixed American, 0.0017%; no homozygotes.

Submission:

Labcorp Genetics (formerly Invitae), Labcorp
Classification: Uncertain significance for Koolen-de Vries syndrome. Last evaluated: 2022-08-02. Review status: criteria provided, single submitter. Criteria: Invitae Variant Classification Sherloc (09022015). Collection method: clinical testing. Allele origin: germline.
Comment: Algorithms developed to predict the effect of missense changes on protein structure and function output the following: SIFT: "Tolerated"; PolyPhen-2: "Benign"; Align-GVGD: "Class C0". The leucine amino acid residue is found in multiple mammalian species, which suggests that this missense change does not adversely affect protein function. This variant has not been reported in the literature in individuals affected with KANSL1-related conditions. This variant is not present in population databases (gnomAD no frequency). This sequence change replaces proline, which is neutral and non-polar, with leucine, which is neutral and non-polar, at codon 774 of the KANSL1 protein (p.Pro774Leu). In summary, the available evidence is currently insufficient to determine the role of this variant in disease. Therefore, it has been classified as a Variant of Uncertain Significance.

NM_015443.4(KANSL1):c.2321C>T (p.Pro774Leu)

Gene: KANSL1 (KAT8 regulatory NSL complex subunit 1). Cytogenetic location: 17q21.31.
Variant type: single nucleotide variant.
Coding change: c.2321C>T on transcript NM_015443.4 (MANE Select); coding-DNA position 2321, C replaced by T.
Protein change: p.Pro774Leu; replaces proline 774 with leucine.
Molecular consequence: missense variant.
Genome position (GRCh38, 1-based): chr17:46,039,098, G>A on the plus strand (C>T on the coding strand, the complement: KANSL1 is on the minus strand). VCF-style: chr17-46039098-G-A. GRCh37 (hg19) VCF-style: chr17-44116464-G-A.
Other names: c.2321C>T, p.Pro774Leu (NM_001193465.2, NM_001193466.2, NM_001379198.1 and 8 more transcripts); c.2219C>T, p.Pro740Leu (NM_001405881.1, NM_001405859.1, NM_001405860.1 and 1 more transcripts); c.1055C>T, p.Pro352Leu (NM_001405882.1, NM_001405883.1); short protein forms P352L, P740L, P774L.
Identifiers: ClinVar variation 2038234 (VCV002038234.4), dbSNP rs2077235534, ClinGen allele CA399981037.